The following is an entry in ClinVar:

NM_198578.4(LRRK2):c.6806A>G (p.Asp2269Gly)

Gene: LRRK2 (leucine rich repeat kinase 2; plus strand). Cytogenetic location: 12q12.
Variant type: single nucleotide variant.
Coding change: c.6806A>G on transcript NM_198578.4 (MANE Select); coding-DNA position 6806, A replaced by G.
Protein change: p.Asp2269Gly; replaces aspartic acid 2269 with glycine.
Molecular consequence: missense variant.
Genome position (GRCh38, 1-based): chr12:40,356,150, A>G. VCF-style: chr12-40356150-A-G. GRCh37 (hg19) VCF-style: chr12-40749952-A-G.
Other names: short protein forms D2269G.
Identifiers: ClinVar variation 1492559 (VCV001492559.6), dbSNP rs922038810, ClinGen allele CA235347678.
Genomic context (GRCh38, chr12:40,356,150, plus strand): 5'-ACAATTTCAACATTTTTCCTTTTAGCAAACAAAAAAATTTTCTTTTGGTTGGAACCGCTG[A>G]TGGCAAGTTAGCAATTTTTGAAGATAAGACTGTTAAGGTAAATGTTGAATGCATTCTACA-3'
Protein context (NP_940980.4, residues 2259-2279): QKNFLLVGTA[Asp2269Gly]GKLAIFEDKT

ClinVar aggregate classification (germline): Uncertain significance (1 of 4 stars; one submission).

Conditions:
Autosomal dominant Parkinson disease 8. Also called: Parkinson disease 8, susceptibility to; LRRK2-Related Parkinson Disease; Parkinson disease 8. Identifiers: Orphanet 411602, MedGen C1846862, MONDO:0011764, OMIM 607060.

Allele frequency attached by ClinVar (database versions not stated): gnomAD exomes below 0.00001.
gnomAD v4.1: 2 of 1,612,454 alleles (0.00012%); highest among the groups gnomAD compares: Non-Finnish European, 0.00017%; no homozygotes.

Submission:

Labcorp Genetics (formerly Invitae), Labcorp
Classification: Uncertain significance for Autosomal dominant Parkinson disease 8. Last evaluated: 2022-04-19. Review status: criteria provided, single submitter. Criteria: Invitae Variant Classification Sherloc (09022015). Collection method: clinical testing. Allele origin: germline.
Comment: In summary, the available evidence is currently insufficient to determine the role of this variant in disease. Therefore, it has been classified as a Variant of Uncertain Significance. Algorithms developed to predict the effect of missense changes on protein structure and function (SIFT, PolyPhen-2, Align-GVGD) all suggest that this variant is likely to be tolerated. This variant has not been reported in the literature in individuals affected with LRRK2-related conditions. This variant is not present in population databases (gnomAD no frequency). This sequence change replaces aspartic acid, which is acidic and polar, with glycine, which is neutral and non-polar, at codon 2269 of the LRRK2 protein (p.Asp2269Gly).